The following is an entry in ClinVar:

NM_001042492.3(NF1):c.3497-19A>G

Gene: NF1 (neurofibromin 1; plus strand). Cytogenetic location: 17q11.2.
Variant type: single nucleotide variant.
Coding change: c.3497-19A>G on transcript NM_001042492.3 (MANE Select); 19 bases into the intron before coding-DNA position 3497, A replaced by G.
Molecular consequence: intron variant.
Genome position (GRCh38, 1-based): chr17:31,232,983, A>G. VCF-style: chr17-31232983-A-G. GRCh37 (hg19) VCF-style: chr17-29560001-A-G.
Other names: c.3497-19A>G (NM_000267.4).
Identifiers: ClinVar variation 1618118 (VCV001618118.9), dbSNP rs760615401, ClinGen allele CA8486188.

ClinVar aggregate classification (germline): Likely benign. Review status: criteria provided, multiple submitters, no conflicts (2 of 4 stars). 2 submissions from 2 submitters: Likely benign (2). Last evaluated 2026-05-12.

Conditions:
Neurofibromatosis, type 1 (NF1). Also called: VON RECKLINGHAUSEN DISEASE; NEUROFIBROMATOSIS, TYPE I, SOMATIC; Neurofibromatosis, type I; Peripheral type neurofibromatosis. Identifiers: Orphanet 636, MedGen C0027831, MONDO:0018975, OMIM 162200. Disease mechanism: loss of function.

Allele frequency attached by ClinVar (database versions not stated): gnomAD exomes below 0.00001; ExAC 0.00001.
gnomAD v4.1: 1 of 1,614,136 alleles (0.000062%); highest among the groups gnomAD compares: Non-Finnish European, 0.000085%; no homozygotes.

Submissions (2):

Myriad Genetics, Inc.
Classification: Likely benign for Neurofibromatosis, type 1. Last evaluated: 2026-05-12. Review status: criteria provided, single submitter. Criteria: Myriad Autosomal Dominant, Autosomal Recessive and X-Linked Classification Criteria (2023). Collection method: clinical testing. Allele origin: unknown.
Comment: This variant is considered likely benign. This variant is intronic and is not expected to impact mRNA splicing.

Labcorp Genetics (formerly Invitae), Labcorp
Classification: Likely benign for Neurofibromatosis, type 1. Last evaluated: 2025-10-31. Review status: criteria provided, single submitter. Criteria: Invitae Variant Classification Sherloc (09022015). Collection method: clinical testing. Allele origin: germline.